The following is an entry in ClinVar:

ClinVar aggregate classification (germline): Uncertain significance. Review status: criteria provided, multiple submitters, no conflicts (2 of 4 stars). 2 submissions from 2 submitters: Uncertain significance (2). Last evaluated 2024-04-15.

Submissions (2):

Labcorp Genetics (formerly Invitae), Labcorp
Classification: Uncertain significance. Last evaluated: 2024-04-15. Review status: criteria provided, single submitter. Criteria: Invitae Variant Classification Sherloc (09022015). Collection method: clinical testing. Allele origin: germline.
Comment: This sequence change replaces leucine, which is neutral and non-polar, with proline, which is neutral and non-polar, at codon 645 of the WFS1 protein (p.Leu645Pro). This variant is not present in population databases (gnomAD no frequency). This variant has not been reported in the literature in individuals affected with WFS1-related conditions. Advanced modeling of protein sequence and biophysical properties (such as structural, functional, and spatial information, amino acid conservation, physicochemical variation, residue mobility, and thermodynamic stability) has been performed at Invitae for this missense variant, however the output from this modeling did not meet the statistical confidence thresholds required to predict the impact of this variant on WFS1 protein function. In summary, the available evidence is currently insufficient to determine the role of this variant in disease. Therefore, it has been classified as a Variant of Uncertain Significance.

CeGaT Center for Human Genetics Tuebingen
Classification: Uncertain significance. Last evaluated: 2023-11-01. Review status: criteria provided, single submitter. Criteria: CeGaT Center For Human Genetics Tuebingen Variant Classification Criteria Version 2. Collection method: clinical testing. Allele origin: germline. Affected: yes. Observed: 1 variant allele.
Comment: WFS1: PM2, PP3

NM_006005.3(WFS1):c.1934T>C (p.Leu645Pro)

Gene: WFS1 (wolframin ER transmembrane glycoprotein; plus strand). Cytogenetic location: 4p16.1.
Variant type: single nucleotide variant.
Coding change: c.1934T>C on transcript NM_006005.3 (MANE Select); coding-DNA position 1934, T replaced by C.
Protein change: p.Leu645Pro; replaces leucine 645 with proline.
Molecular consequence: missense variant.
Genome position (GRCh38, 1-based): chr4:6,301,729, T>C. VCF-style: chr4-6301729-T-C. GRCh37 (hg19) VCF-style: chr4-6303456-T-C.
Other names: c.1934T>C, p.Leu645Pro (NM_001145853.1); short protein forms L645P.
Identifiers: ClinVar variation 2672987 (VCV002672987.25), dbSNP rs2474195370, ClinGen allele CA356177126.